The following is an entry in ClinVar:

ClinVar aggregate classification (germline): Uncertain significance (1 of 4 stars; one submission).

Submission:

GeneDx
Classification: Uncertain significance. Last evaluated: 2022-08-23. Review status: criteria provided, single submitter. Criteria: GeneDx Variant Classification Process June 2021. Collection method: clinical testing. Allele origin: germline. Affected: yes.
Comment: Not observed at significant frequency in large population cohorts (gnomAD); In silico analysis supports that this missense variant has a deleterious effect on protein structure/function; Has not been previously published as pathogenic or benign to our knowledge

NM_014740.4(EIF4A3):c.1130C>A (p.Ala377Asp)

Gene: EIF4A3 (eukaryotic translation initiation factor 4A3; minus strand). Cytogenetic location: 17q25.3.
Variant type: single nucleotide variant.
Coding change: c.1130C>A on transcript NM_014740.4 (MANE Select); coding-DNA position 1130, C replaced by A.
Protein change: p.Ala377Asp; replaces alanine 377 with aspartic acid.
Molecular consequence: missense variant.
Genome position (GRCh38, 1-based): chr17:80,136,093, G>T on the plus strand (C>A on the coding strand, the complement: EIF4A3 is on the minus strand). VCF-style: chr17-80136093-G-T. GRCh37 (hg19) VCF-style: chr17-78109892-G-T.
Other names: c.1067C>A, p.Ala356Asp (NM_001411099.1); short protein forms A356D, A377D.
Identifiers: ClinVar variation 2443614 (VCV002443614.1), dbSNP rs150484871, ClinGen allele CA401332643.